The following is an entry in ClinVar:

NM_000156.6(GAMT):c.491G>A (p.Gly164Asp)

Gene: GAMT (guanidinoacetate N-methyltransferase; minus strand). Cytogenetic location: 19p13.3.
Variant type: single nucleotide variant.
Coding change: c.491G>A on transcript NM_000156.6 (MANE Select); coding-DNA position 491, G replaced by A.
Protein change: p.Gly164Asp; replaces glycine 164 with aspartic acid.
Molecular consequence: missense variant.
Genome position (GRCh38, 1-based): chr19:1,398,995, C>T on the plus strand (G>A on the coding strand, the complement: GAMT is on the minus strand). VCF-style: chr19-1398995-C-T. GRCh37 (hg19) VCF-style: chr19-1398994-C-T.
Other names: p.G164D:GGC>GAC; NM_000156.6(GAMT):c.491G>A; c.491G>A, p.Gly164Asp (NM_138924.3); c.491G>A (NM_138924.2); short protein forms G164D.
Identifiers: ClinVar variation 205581 (VCV000205581.18), dbSNP rs760101382, ClinGen allele CA314807.

ClinVar aggregate classification (germline): Likely pathogenic. Review status: reviewed by expert panel (3 of 4 stars). 11 submissions from 11 submitters: Likely pathogenic (1). 10 of the submissions do not count toward it. Last evaluated 2024-09-11.

Conditions:
Inborn genetic diseases. Identifiers: MedGen C0950123, MeSH D030342.
Cerebral creatine deficiency syndrome. Also called: Creatine deficiency syndromes. Identifiers: Orphanet 79172, MedGen C5244016, MONDO:0000456.
Deficiency of guanidinoacetate methyltransferase (CCDS2). Also called: GAMT DEFICIENCY; Guanidinoacetate Methyltransferase (GAMT) Deficiency; CEREBRAL CREATINE DEFICIENCY SYNDROME 2. Identifiers: Orphanet 382, MedGen C0574080, MONDO:0012999, OMIM 612736.
GAMT-related disorder. Also called: GAMT-related condition.

Allele frequency attached by ClinVar (database versions not stated): ExAC 0.00001; TOPMed 0.00001.
gnomAD v4.1: 12 of 1,613,230 alleles (0.00074%); highest among the groups gnomAD compares: Admixed American, 0.0017%; no homozygotes.

Submissions (11):

ClinGen Cerebral Creatine Deficiency Syndromes Variant Curation Expert Panel, ClinGen
Classification: Likely pathogenic for Deficiency of guanidinoacetate methyltransferase. Last evaluated: 2024-09-11. Review status: reviewed by expert panel. Criteria: ClinGen CCDS ACMG Specifications GAMT V2.0.0. Collection method: curation. Allele origin: germline. Inheritance: Autosomal recessive inheritance.
Comment: The NM_000156.6:c.491G>A variant in GAMT is a missense variant predicted to cause the substitution of a glycine by an aspartate at amino acid position 164 (p.Gly164Asp). This variant has been previously reported in one patient who had elevated plasma guanidinoacetate levels on two occasions (PP4) and was compound heterozygous for the variant and a pathogenic variant in GAMT, c.522G>A (p.Trp174Ter, ClinVar ID: 205584), confirmed in trans by parental testing (PM3). The highest population minor allele frequency in gnomAD v4.1.0. is 0.00001667 (1/59992 alleles) in the Admixed American population, which is lower than the ClinGen CCDS VCEP’s threshold for PM2_Supporting (<0.0004), meeting this criterion (PM2_Supporting). The computational predictor REVEL gives a score of 0.919, evidence that correlates with impact to GAMT function (PP3_Moderate applied for REVEL score range 0.773-0.932). There is a ClinVar entry for this variant (Variation ID: 203539). In summary, this variant meets the criteria to be classified as likely pathogenic for GAMT deficiency based on the ACMG/AMP criteria applied, as specified by the ClinGen Cerebral Creatine Deficiency Syndromes Variant Curation Expert Panel (Specifications Version 2.0.0): PM3, PP4, PP3_Moderate, PM2_Supporting. (Classification approved by the ClinGen Creatine Deficiency Syndromes Variant Curation Expert Panel on September 11, 2024).

Natera, Inc.
Classification: Likely pathogenic for Guanidinoacetate methyltransferase deficiency. Last evaluated: 2025-11-28. Review status: criteria provided, single submitter. Criteria: Natera Variant Classification Schema (03/2026). Collection method: clinical testing. Allele origin: germline. Not counted in ClinVar's aggregate classification.
Comment: The c.491G>A variant in GAMT is a missense variant predicted to cause substitution of glycine to aspartic acid at amino acid 164. This variant is rare in the general population with a frequency below the threshold expected for the associated phenotype(s). This variant has been observed in one or more individuals affected with the associated recessive disease, as either homozygous or compound heterozygous with a second variant (PMID: 23660394). This variant has been identified in one or more affected individuals with a phenotype highly consistent with the associated gene (PMID:23660394). Computational prediction algorithms indicate this variant is likely to affect gene or protein function. Given the available evidence, this variant is classified as Likely Pathogenic.

PreventionGenetics, part of Exact Sciences
Classification: Likely pathogenic for GAMT-related condition. Last evaluated: 2025-03-21. Review status: criteria provided, single submitter. Criteria: ACMG Guidelines, 2015. Collection method: clinical testing. Allele origin: germline. Not counted in ClinVar's aggregate classification.
Comment: The GAMT c.491G>A variant is predicted to result in the amino acid substitution p.Gly164Asp. This variant has been reported in the compound heterozygous state in an individual with cerebral creatine deficiency syndrome (Comeaux et al. 2013. PubMed ID: 23660394). This variant is reported in 0.0029% of alleles in individuals of Latino descent in gnomAD. An alternate missense change at the same amino acid position (c.491G>T; p.Gly164Val) has been reported in the homozygous state in an individual with epilepsy (Monies et al. 2017. PubMed ID: 28600779). The c.491G>A (p.Gly164Asp) variant is interpreted as likely pathogenic by the ClinGen Cerebral Creatine Deficiency Syndromes Variant Curation Expert Panel in ClinVar (ClinVar ID: 205581). This variant is interpreted as likely pathogenic.

Fulgent Genetics
Classification: Likely pathogenic for Deficiency of guanidinoacetate methyltransferase. Last evaluated: 2024-04-12. Review status: criteria provided, single submitter. Criteria: ACMG Guidelines, 2015. Collection method: clinical testing. Allele origin: germline. Not counted in ClinVar's aggregate classification.

GeneDx
Classification: Likely pathogenic. Last evaluated: 2023-11-05. Review status: criteria provided, single submitter. Criteria: GeneDx Variant Classification Process June 2021. Collection method: clinical testing. Allele origin: germline. Affected: yes. Not counted in ClinVar's aggregate classification.
Comment: Not observed at significant frequency in large population cohorts (gnomAD); In silico analysis supports that this missense variant has a deleterious effect on protein structure/function; This variant is associated with the following publications: (PMID: 23660394)

Baylor Genetics
Classification: Pathogenic for Deficiency of guanidinoacetate methyltransferase. Last evaluated: 2023-09-25. Review status: criteria provided, single submitter. Criteria: ACMG Guidelines, 2015. Collection method: clinical testing. Allele origin: unknown. Not counted in ClinVar's aggregate classification.

Labcorp Genetics (formerly Invitae), Labcorp
Classification: Uncertain significance for Cerebral creatine deficiency syndrome. Last evaluated: 2022-07-25. Review status: criteria provided, single submitter. Criteria: Invitae Variant Classification Sherloc (09022015). Collection method: clinical testing. Allele origin: germline. Not counted in ClinVar's aggregate classification.
Comment: This sequence change replaces glycine, which is neutral and non-polar, with aspartic acid, which is acidic and polar, at codon 164 of the GAMT protein (p.Gly164Asp). This variant is present in population databases (rs760101382, gnomAD 0.003%). This missense change has been observed in individual(s) with clinical features of cerebral creatine deficiency syndromes (PMID: 23660394). ClinVar contains an entry for this variant (Variation ID: 205581). Algorithms developed to predict the effect of missense changes on protein structure and function are either unavailable or do not agree on the potential impact of this missense change (SIFT: "Deleterious"; PolyPhen-2: "Probably Damaging"; Align-GVGD: "Class C0"). In summary, the available evidence is currently insufficient to determine the role of this variant in disease. Therefore, it has been classified as a Variant of Uncertain Significance.

Broad Center for Mendelian Genomics, Broad Institute of MIT and Harvard
Classification: Likely pathogenic for Cerebral creatine deficiency syndrome. Last evaluated: 2021-11-02. Review status: criteria provided, single submitter. Criteria: ACMG Guidelines, 2015. Collection method: curation. Allele origin: germline. Inheritance: Autosomal recessive inheritance. Not counted in ClinVar's aggregate classification.
Comment: The p.Gly164Asp variant in GAMT has been reported in 1 individual, in the compound heterozygous state, with cerebral creatine deficiency syndrome (PMID: 23660394) and has been identified in 0.003% (1/34562) of Latino/Admixed American chromosomes by the Genome Aggregation Database (gnomAD; dbSNP ID: rs760101382). Although this variant has been seen in the general population in a heterozygous state, its frequency is low enough to be consistent with a recessive carrier frequency. This variant has also been reported in ClinVar (Variation ID#: 205581) and has been interpreted as VUS by Invitae and pathogenic by GeneDx. Computational prediction tools and conservation analyses suggest that this variant may impact the protein, though this information is not predictive enough to determine pathogenicity. The phenotype of an individual compound heterozygous for this variant is highly specific for cerebral creatine deficiency syndrome based on strict biochemical investigations consistent with disease (PMID: 23660394). In summary, although additional studies are required to fully establish its clinical significance, this variant is likely pathogenic for autosomal recessive cerebral creatine deficiency syndrome. ACMG/AMP Criteria applied: PM3, PM2_supporting, PP3, PP4_moderate (Richards 2015).

Women's Health and Genetics/Laboratory Corporation of America, LabCorp
Classification: Uncertain significance. Last evaluated: 2021-09-17. Review status: criteria provided, single submitter. Criteria: LabCorp Variant Classification Summary - May 2015. Collection method: clinical testing. Allele origin: germline. Not counted in ClinVar's aggregate classification.
Comment: Variant summary: GAMT c.491G>A (p.Gly164Asp) results in a non-conservative amino acid change located in the Arginine N-methyltransferase 2-like domain of the encoded protein sequence. Five of five in-silico tools predict a damaging effect of the variant on protein function. The variant allele was found at a frequency of 4e-06 in 250698 control chromosomes. The available data on variant occurrences in the general population are insufficient to allow any conclusion about variant significance. c.491G>A has been reported in the literature in one individual affected with Cerebral Creatine Deficiency Syndrome (Comeaux_2013). These data do not allow any conclusion about variant significance. To our knowledge, no experimental evidence demonstrating an impact on protein function has been reported. One clinical diagnostic laboratory has submitted clinical-significance assessments for this variant to ClinVar after 2014 without evidence for independent evaluation and classified the variant as uncertain significance. Based on the evidence outlined above, the variant was classified as uncertain significance.

Ambry Genetics
Classification: Pathogenic for Inborn genetic diseases. Last evaluated: 2017-07-25. Review status: criteria provided, single submitter. Criteria: Ambry Variant Classification Scheme 2023. Collection method: clinical testing. Allele origin: germline. Not counted in ClinVar's aggregate classification.
Comment: The p.G164D pathogenic mutation (also known as c.491G>A), located in coding exon 5 of the GAMT gene, results from a G to A substitution at nucleotide position 491. The glycine at codon 164 is replaced by aspartic acid, an amino acid with similar properties. In addition, authors show that this mutation is expected to disrupt this intra-turn hydrogen bond due to the unfavorable Phi&ndash;Psi angle created when aspartate is present (Comeaux MS et al. Mol. Genet. Metab., 2013 Jul;109:260-8). Based on the supporting evidence, this alteration is interpreted as a disease-causing mutation.

Clinical Genetics Service, Universitary Hospital 12 de Octubre
Classification: Pathogenic for Deficiency of guanidinoacetate methyltransferase. Review status: criteria provided, single submitter. Criteria: ACMG Guidelines, 2015. Collection method: clinical testing. Allele origin: germline. Affected: yes. Not counted in ClinVar's aggregate classification.

Literature cited by the submitters: PubMed 23660394 (cited by 4 submitters).